The following is an entry in ClinVar:

NM_000051.4(ATM):c.1743dup (p.Phe582fs)

Gene: ATM (ATM serine/threonine kinase; plus strand). Cytogenetic location: 11q22.3.
Variant type: Duplication.
Coding change: c.1743dup on transcript NM_000051.4 (MANE Select); coding-DNA position 1743, one base duplicated (A; older notation c.1743dupA).
Protein change: p.Phe582fs; shifts the reading frame from phenylalanine 582.
Molecular consequence: frameshift variant.
Genome position (GRCh38, 1-based): chr11:108,251,972, A duplicated. VCF-style (leftmost placement, unchanged base first): chr11-108251971-T-TA. GRCh37 (hg19) VCF-style: chr11-108122698-T-TA.
Other names: c.1743dup, p.Phe582fs (NM_001351834.2); short protein forms F582fs.
Identifiers: ClinVar variation 3065675 (VCV003065675.2), dbSNP rs2497272409, ClinGen allele CA2740098013.
Genomic context (GRCh38, chr11:108,251,971, plus strand): 5'-AAAATATGTGTGAAGTAAATAGAAGCTTTTCTTTAAAGGAATCAATAATGAAATGGCTCT[T>TA]ATTCTATCAGTTAGAGGGTGACTTAGAAAATAGCACAGAAGTGCCTCCAATTCTTCACAG-3'

ClinVar aggregate classification (germline): Likely pathogenic. Review status: criteria provided, multiple submitters, no conflicts (2 of 4 stars). 2 submissions from 2 submitters: Likely pathogenic (2). Last evaluated 2024-03-29.

Conditions:
Ataxia-telangiectasia syndrome (AT). Also called: AT, COMPLEMENTATION GROUP C; ATAXIA-TELANGIECTASIA, COMPLEMENTATION GROUP A; ATAXIA-TELANGIECTASIA, FRESNO VARIANT; Ataxia-telangiectasia; LOUIS-BAR SYNDROME; Ataxia telangiectasia (A-T). Identifiers: Orphanet 100, MedGen C0004135, MONDO:0008840, OMIM 208900.

Submissions (2):

Genomic Medicine Center of Excellence, King Faisal Specialist Hospital and Research Centre
Classification: Likely pathogenic for Ataxia-telangiectasia syndrome. Last evaluated: 2024-03-29. Review status: criteria provided, single submitter. Criteria: ACMG Guidelines, 2015. Collection method: clinical testing. Allele origin: germline.

Laboratory for Molecular Medicine, Mass General Brigham Personalized Medicine
Classification: Likely pathogenic for Ataxia-telangiectasia syndrome. Last evaluated: 2022-11-03. Review status: criteria provided, single submitter. Criteria: ACMG Guidelines, 2015. Collection method: clinical testing. Allele origin: germline.
Comment: The p.Phe582IlefsX7 variant in ATM has not been reported in individuals with ataxia telangiectasia and was absent from large population studies. This variant is predicted to cause a frameshift, which alters the protein’s amino acid sequence beginning at position 582 and leads to a premature termination codon 7 amino acids downstream. This alteration is then predicted to lead to a truncated or absent protein. Loss of function of the ATM gene is an established disease mechanism in autosomal recessive ataxia telangiectasia. In summary, although additional studies are required to fully establish its clinical significance, this variant meets criteria to be classified as likely pathogenic for autosomal recessive ataxia telangiectasia. ACMG/AMP Criteria applied: PM2_supporting, PVS1.